The following is an entry in ClinVar:

ClinVar aggregate classification (germline): Conflicting classifications of pathogenicity. Review status: criteria provided, conflicting classifications (1 of 4 stars). 5 submissions from 5 submitters: Uncertain significance (1); Likely benign (4). Last evaluated 2026-02-03.

Conditions:
MOGS-congenital disorder of glycosylation. Also called: MOGS-CDG; CDG IIb; CDG 2B; GLUCOSIDASE I DEFICIENCY. Identifiers: Orphanet 79330, MedGen C1853736, MONDO:0011629, OMIM 606056.

Allele frequency attached by ClinVar (database versions not stated): gnomAD 0.00012; ExAC 0.00014; TOPMed 0.00024; gnomAD exomes 0.00042.
gnomAD v4.1: 129 of 1,557,538 alleles (0.0083%); highest among the groups gnomAD compares: Admixed American, 0.23%; 3 homozygotes.

Submissions (5):

Labcorp Genetics (formerly Invitae), Labcorp
Classification: Likely benign for MOGS-congenital disorder of glycosylation. Last evaluated: 2026-02-03. Review status: criteria provided, single submitter. Criteria: Invitae Variant Classification Sherloc (09022015). Collection method: clinical testing. Allele origin: germline.

Blueprint Genetics
Classification: Likely benign. Last evaluated: 2024-05-30. Review status: criteria provided, single submitter. Criteria: ACMG Guidelines, 2015. Collection method: clinical testing. Allele origin: germline.

ARUP Laboratories, Molecular Genetics and Genomics, ARUP Laboratories
Classification: Likely benign for MOGS-congenital disorder of glycosylation. Last evaluated: 2022-09-20. Review status: criteria provided, single submitter. Criteria: ARUP Molecular Germline Variant Investigation Process 2021. Collection method: clinical testing. Allele origin: germline.

GeneDx
Classification: Likely benign. Last evaluated: 2017-07-30. Review status: criteria provided, single submitter. Criteria: GeneDx Variant Classification (06012015). Collection method: clinical testing. Allele origin: germline. Affected: yes.
Comment: This variant is considered likely benign or benign based on one or more of the following criteria: it is a conservative change, it occurs at a poorly conserved position in the protein, it is predicted to be benign by multiple in silico algorithms, and/or has population frequency not consistent with disease.

Eurofins Ntd Llc (ga)
Classification: Uncertain significance. Last evaluated: 2014-12-23. Review status: criteria provided, single submitter. Criteria: EGL Classification Definitions 2015. Collection method: clinical testing. Allele origin: germline. Observed: 1 variant allele, 1 heterozygote.

NM_006302.3(MOGS):c.249C>G (p.Ala83=)

Genes: MOGS (mannosyl-oligosaccharide glucosidase; minus strand), LOC129934128 (ATAC-STARR-seq lymphoblastoid silent region 11664; plus strand). Cytogenetic location: 2p13.1.
Variant type: single nucleotide variant.
Coding change: c.249C>G on transcript NM_006302.3 (MANE Select); coding-DNA position 249, C replaced by G.
Protein change: p.Ala83=; no amino-acid change (alanine 83 retained).
Molecular consequence: synonymous variant. On other transcripts: intron variant (1).
Genome position (GRCh38, 1-based): chr2:74,464,999, G>C on the plus strand (C>G on the coding strand, the complement: MOGS is on the minus strand). VCF-style: chr2-74464999-G-C. GRCh37 (hg19) VCF-style: chr2-74692126-G-C.
Other names: c.-58-12C>G (NM_001146158.2); c.249C>G, p.Ala83= (LRG_1226t1).
Identifiers: ClinVar variation 193336 (VCV000193336.18), dbSNP rs764778419, ClinGen allele CA238855.